The following is an entry in ClinVar:

NM_021956.5(GRIK2):c.1625A>C (p.Tyr542Ser)

Gene: GRIK2 (glutamate ionotropic receptor kainate type subunit 2; plus strand). Cytogenetic location: 6q16.3.
Variant type: single nucleotide variant.
Coding change: c.1625A>C on transcript NM_021956.5 (MANE Select); coding-DNA position 1625, A replaced by C.
Protein change: p.Tyr542Ser; replaces tyrosine 542 with serine.
Molecular consequence: missense variant.
Genome position (GRCh38, 1-based): chr6:101,889,740, A>C. VCF-style: chr6-101889740-A-C. GRCh37 (hg19) VCF-style: chr6-102337615-A-C.
Other names: c.1625A>C, p.Tyr542Ser (NM_001166247.1, NM_175768.3); short protein forms Y542S.
Identifiers: ClinVar variation 2499244 (VCV002499244.1), dbSNP rs1226549063, ClinGen allele CA365309478.

ClinVar aggregate classification (germline): Uncertain significance (1 of 4 stars; one submission).

Submission:

GeneDx
Classification: Uncertain significance. Last evaluated: 2022-10-17. Review status: criteria provided, single submitter. Criteria: GeneDx Variant Classification Process June 2021. Collection method: clinical testing. Allele origin: germline. Affected: yes.
Comment: Not observed at significant frequency in large population cohorts (gnomAD); In silico analysis supports that this missense variant has a deleterious effect on protein structure/function; Has not been previously published as pathogenic or benign to our knowledge